The following is an entry in ClinVar:

ClinVar aggregate classification (germline): Conflicting classifications of pathogenicity. Review status: criteria provided, conflicting classifications (1 of 4 stars). 3 submissions from 3 submitters: Uncertain significance (1); Benign (1); Likely benign (1). Last evaluated 2025-08-04.

Conditions:
Pseudohypoaldosteronism type 2B (PHA2B). Also called: Pseudohypoaldosteronism Type IIB. Identifiers: Orphanet 757, Orphanet 88939, MedGen C1840390, MONDO:0013777, OMIM 614491.
Inborn genetic diseases. Identifiers: MedGen C0950123, MeSH D030342.

gnomAD v4.1: 38 of 1,612,992 alleles (0.0024%); highest among the groups gnomAD compares: South Asian, 0.041%; no homozygotes.

Submissions (3):

Labcorp Genetics (formerly Invitae), Labcorp
Classification: Likely benign. Last evaluated: 2025-08-04. Review status: criteria provided, single submitter. Criteria: Invitae Variant Classification Sherloc (09022015). Collection method: clinical testing. Allele origin: germline.

Ambry Genetics
Classification: Uncertain significance for Inborn genetic diseases. Last evaluated: 2022-02-10. Review status: criteria provided, single submitter. Criteria: Ambry Variant Classification Scheme 2023. Collection method: clinical testing. Allele origin: germline.

Illumina Laboratory Services, Illumina
Classification: Benign for Pseudohypoaldosteronism type 2B. Last evaluated: 2018-01-13. Review status: criteria provided, single submitter. Criteria: ICSL Variant Classification Criteria 13 December 2019. Collection method: clinical testing. Allele origin: germline.
Comment: This variant was observed in the ICSL laboratory as part of a predisposition screen in an ostensibly healthy population. It had not been previously curated by ICSL or reported in the Human Gene Mutation Database (HGMD: prior to June 1st, 2018), and was therefore a candidate for classification through an automated scoring system. Utilizing variant allele frequency, disease prevalence and penetrance estimates, and inheritance mode, an automated score was calculated to assess if this variant is too frequent to cause the disease. Based on the score and internal cut-off values, a variant classified as benign is not then subjected to further curation. The score for this variant resulted in a classification of benign for this disease.

NM_032387.5(WNK4):c.383C>G (p.Pro128Arg)

Gene: WNK4 (WNK lysine deficient protein kinase 4; plus strand). Cytogenetic location: 17q21.2.
Variant type: single nucleotide variant.
Coding change: c.383C>G on transcript NM_032387.5 (MANE Select); coding-DNA position 383, C replaced by G.
Protein change: p.Pro128Arg; replaces proline 128 with arginine.
Molecular consequence: missense variant. On other transcripts: 5 prime UTR variant (1).
Genome position (GRCh38, 1-based): chr17:42,781,081, C>G. VCF-style: chr17-42781081-C-G. GRCh37 (hg19) VCF-style: chr17-40933099-C-G.
Other names: c.-537C>G (NM_001321299.2); short protein forms P128R.
Identifiers: ClinVar variation 891515 (VCV000891515.7), dbSNP rs773898452, ClinGen allele CA8583677.